The following is an entry in ClinVar:

ClinVar aggregate classification (germline): Uncertain significance (1 of 4 stars; one submission).

Allele frequency attached by ClinVar (database versions not stated): gnomAD exomes below 0.00001; TOPMed below 0.00001.
gnomAD v4.1: 6 of 1,614,184 alleles (0.00037%); highest among the groups gnomAD compares: South Asian, 0.0022%; no homozygotes.

Submission:

Labcorp Genetics (formerly Invitae), Labcorp
Classification: Uncertain significance. Last evaluated: 2024-10-28. Review status: criteria provided, single submitter. Criteria: Invitae Variant Classification Sherloc (09022015). Collection method: clinical testing. Allele origin: germline.
Comment: This sequence change replaces arginine, which is basic and polar, with tryptophan, which is neutral and slightly polar, at codon 502 of the HTT protein (p.Arg502Trp). This variant is not present in population databases (gnomAD no frequency). This variant has not been reported in the literature in individuals affected with HTT-related conditions. ClinVar contains an entry for this variant (Variation ID: 1350917). Experimental studies and prediction algorithms are not available or were not evaluated, and the functional significance of this variant is currently unknown. In summary, the available evidence is currently insufficient to determine the role of this variant in disease. Therefore, it has been classified as a Variant of Uncertain Significance.

NM_001388492.1(HTT):c.1498C>T (p.Arg500Trp)

Gene: HTT (huntingtin; plus strand). Cytogenetic location: 4p16.3.
Variant type: single nucleotide variant.
Coding change: c.1498C>T on transcript NM_001388492.1 (MANE Select); coding-DNA position 1498, C replaced by T.
Protein change: p.Arg500Trp; replaces arginine 500 with tryptophan.
Molecular consequence: missense variant.
Genome position (GRCh38, 1-based): chr4:3,127,359, C>T. VCF-style: chr4-3127359-C-T. GRCh37 (hg19) VCF-style: chr4-3129086-C-T.
Other names: c.1504C>T, p.Arg502Trp (NM_002111.8); short protein forms R500W, R502W.
Identifiers: ClinVar variation 1350917 (VCV001350917.6), dbSNP rs1715567745, ClinGen allele CA356074873.